The following is an entry in ClinVar:

NM_016151.4(TAOK2):c.1388G>A (p.Arg463Gln)

Gene: TAOK2 (TAO kinase 2; plus strand). Cytogenetic location: 16p11.2.
Variant type: single nucleotide variant.
Coding change: c.1388G>A on transcript NM_016151.4 (MANE Select); coding-DNA position 1388, G replaced by A.
Protein change: p.Arg463Gln; replaces arginine 463 with glutamine.
Molecular consequence: missense variant.
Genome position (GRCh38, 1-based): chr16:29,983,630, G>A. VCF-style: chr16-29983630-G-A. GRCh37 (hg19) VCF-style: chr16-29994951-G-A.
Other names: c.1388G>A, p.Arg463Gln (NM_001252043.2, NM_004783.4); short protein forms R463Q.
Identifiers: ClinVar variation 1927846 (VCV001927846.5), dbSNP rs139763660, ClinGen allele CA7998128.
Genomic context (GRCh38, chr16:29,983,630, plus strand): 5'-CAGCCCCAGCTCCCACTTCCACCACCTCTTCCGCCCGCCGCCGGGCCTACTGCCGTAACC[G>A]AGACCACTTTGCCACCATCCGAACCGCCTCCCTGGTGAGTGTAGCCATCCTCACTCAGCC-3'
Protein context (NP_057235.2, residues 453-473): SARRRAYCRN[Arg463Gln]DHFATIRTAS

ClinVar aggregate classification (germline): Uncertain significance (1 of 4 stars; one submission).

Allele frequency attached by ClinVar (database versions not stated): gnomAD exomes 0.00001; ExAC 0.00002; ESP Exome Variant Server 0.00008.
gnomAD v4.1: 24 of 1,613,160 alleles (0.0015%); highest among the groups gnomAD compares: East Asian, 0.0022%; no homozygotes.

Submission:

Labcorp Genetics (formerly Invitae), Labcorp
Classification: Uncertain significance. Last evaluated: 2024-09-03. Review status: criteria provided, single submitter. Criteria: Invitae Variant Classification Sherloc (09022015). Collection method: clinical testing. Allele origin: germline.
Comment: This sequence change replaces arginine, which is basic and polar, with glutamine, which is neutral and polar, at codon 463 of the TAOK2 protein (p.Arg463Gln). This variant is present in population databases (rs139763660, gnomAD 0.006%). This variant has not been reported in the literature in individuals affected with TAOK2-related conditions. ClinVar contains an entry for this variant (Variation ID: 1927846). An algorithm developed to predict the effect of missense changes on protein structure and function (PolyPhen-2) suggests that this variant is likely to be disruptive. In summary, the available evidence is currently insufficient to determine the role of this variant in disease. Therefore, it has been classified as a Variant of Uncertain Significance.